The following is an entry in ClinVar:

NM_001374828.1(ARID1B):c.4480-8A>G

Gene: ARID1B (AT-rich interaction domain 1B; plus strand). Cytogenetic location: 6q25.3.
Variant type: single nucleotide variant.
Coding change: c.4480-8A>G on transcript NM_001374828.1 (MANE Select); 8 bases into the intron before coding-DNA position 4480, A replaced by G.
Molecular consequence: intron variant.
Genome position (GRCh38, 1-based): chr6:157,200,697, A>G. VCF-style: chr6-157200697-A-G. GRCh37 (hg19) VCF-style: chr6-157521831-A-G.
Other names: c.4360-8A>G (NM_001371656.1, NM_001374820.1); c.4321-8A>G (NM_017519.3); c.1981-8A>G (NM_001363725.2); c.4111-8A>G (NM_020732.3).
Identifiers: ClinVar variation 1033956 (VCV001033956.1), dbSNP rs1252519291, ClinGen allele CA571450477.

ClinVar aggregate classification (germline): Uncertain significance (1 of 4 stars; one submission).

Conditions:
Coffin-Siris syndrome 1 (CSS1). Also called: ARID1B-Related Coffin-Siris Syndrome; Mental retardation, autosomal dominant 12. Identifiers: Orphanet 1465, MedGen C3281201, MONDO:0007617, OMIM 135900. Disease mechanism: gain of function.

Allele frequency attached by ClinVar (database versions not stated): gnomAD exomes below 0.00001; TOPMed 0.00002.
gnomAD v4.1: 5 of 1,588,142 alleles (0.00031%); highest among the groups gnomAD compares: Non-Finnish European, 0.00043%; no homozygotes.

Submission:

Baylor Genetics
Classification: Uncertain significance for Coffin-Siris syndrome 1. Last evaluated: 2018-02-16. Review status: criteria provided, single submitter. Criteria: ACMG Guidelines, 2015. Collection method: clinical testing. Allele origin: paternal. Affected: yes.
Comment: This variant was determined to be of uncertain significance according to ACMG Guidelines, 2015 [PMID:25741868].